The following is an entry in ClinVar:

NM_014225.6(PPP2R1A):c.1242C>T (p.Asp414=)

Gene: PPP2R1A (protein phosphatase 2 scaffold subunit Aalpha; plus strand). Cytogenetic location: 19q13.41.
Variant type: single nucleotide variant.
Coding change: c.1242C>T on transcript NM_014225.6 (MANE Select); coding-DNA position 1242, C replaced by T.
Protein change: p.Asp414=; no amino-acid change (aspartic acid 414 retained).
Molecular consequence: synonymous variant. On other transcripts: non-coding transcript variant (1).
Genome position (GRCh38, 1-based): chr19:52,219,804, C>T. VCF-style: chr19-52219804-C-T. GRCh37 (hg19) VCF-style: chr19-52723057-C-T.
Other names: c.705C>T, p.Asp235= (NM_001363656.2).
Identifiers: ClinVar variation 752274 (VCV000752274.20), dbSNP rs139139629, ClinGen allele CA9621545.
Genomic context (GRCh38, chr19:52,219,804, plus strand): 5'-GATTGGCATCCGGCAGCTGTCCCAGTCCCTGCTCCCTGCCATTGTGGAGCTGGCTGAGGA[C>T]GCCAAGTGGCGGGTGCGGCTGGCCATCATTGAGTACATGCCCCTCCTGGCTGGACAGCTG-3'
Protein context (NP_055040.2, residues 404-424): LLPAIVELAE[Asp414=]AKWRVRLAII

ClinVar aggregate classification (germline): Benign/Likely benign. Review status: criteria provided, multiple submitters, no conflicts (2 of 4 stars). 2 submissions from 2 submitters: Benign (1); Likely benign (1). Last evaluated 2026-05-01.

Allele frequency attached by ClinVar (database versions not stated): 1000 Genomes Project 30x 0.00016; 1000 Genomes Project 0.00020; gnomAD exomes 0.00028 and 0.00051; gnomAD 0.00031 and 0.00032; ExAC 0.00041; TOPMed 0.00042; ESP Exome Variant Server 0.00046.
gnomAD v4.1: 499 of 1,613,922 alleles (0.031%); highest among the groups gnomAD compares: Non-Finnish European, 0.0093%; 4 homozygotes.

Submissions (2):

CeGaT Center for Human Genetics Tuebingen
Classification: Likely benign. Last evaluated: 2026-05-01. Review status: criteria provided, single submitter. Criteria: CeGaT Center For Human Genetics Tuebingen Variant Classification Criteria Version 2. Collection method: clinical testing. Allele origin: germline. Affected: yes. Observed: 2 variant alleles.
Comment: PPP2R1A: BP4, BP7

Labcorp Genetics (formerly Invitae), Labcorp
Classification: Benign. Last evaluated: 2026-01-12. Review status: criteria provided, single submitter. Criteria: Invitae Variant Classification Sherloc (09022015). Collection method: clinical testing. Allele origin: germline.